The following is an entry in ClinVar:

ClinVar aggregate classification (germline): Uncertain significance (1 of 4 stars; one submission).

Conditions:
Primary ciliary dyskinesia 32. Also called: CILIARY DYSKINESIA, PRIMARY, 32, WITHOUT SITUS INVERSUS. Identifiers: Orphanet 244, MedGen C4225311, MONDO:0014657, OMIM 616481.

Allele frequency attached by ClinVar (database versions not stated): gnomAD exomes below 0.00001; TOPMed below 0.00001.
gnomAD v4.1: 4 of 1,613,674 alleles (0.00025%); highest among the groups gnomAD compares: Non-Finnish European, 0.00034%; no homozygotes.

Submission:

Labcorp Genetics (formerly Invitae), Labcorp
Classification: Uncertain significance for Primary ciliary dyskinesia 32. Last evaluated: 2023-11-13. Review status: criteria provided, single submitter. Criteria: Invitae Variant Classification Sherloc (09022015). Collection method: clinical testing. Allele origin: germline.
Comment: This sequence change replaces glycine, which is neutral and non-polar, with aspartic acid, which is acidic and polar, at codon 295 of the RSPH3 protein (p.Gly295Asp). This variant is not present in population databases (gnomAD no frequency). This variant has not been reported in the literature in individuals affected with RSPH3-related conditions. An algorithm developed to predict the effect of missense changes on protein structure and function (PolyPhen-2) suggests that this variant is likely to be disruptive. In summary, the available evidence is currently insufficient to determine the role of this variant in disease. Therefore, it has been classified as a Variant of Uncertain Significance.

NM_031924.8(RSPH3):c.458G>A (p.Gly153Asp)

Gene: RSPH3 (radial spoke head 3; minus strand). Cytogenetic location: 6q25.3.
Variant type: single nucleotide variant.
Coding change: c.458G>A on transcript NM_031924.8 (MANE Select); coding-DNA position 458, G replaced by A.
Protein change: p.Gly153Asp; replaces glycine 153 with aspartic acid.
Molecular consequence: missense variant. On other transcripts: non-coding transcript variant (1), intron variant (1).
Genome position (GRCh38, 1-based): chr6:158,983,696, C>T on the plus strand (G>A on the coding strand, the complement: RSPH3 is on the minus strand). VCF-style: chr6-158983696-C-T. GRCh37 (hg19) VCF-style: chr6-159404728-C-T.
Other names: c.631-1008G>A (NM_001346418.1); short protein forms G153D.
Identifiers: ClinVar variation 2784544 (VCV002784544.3), dbSNP rs1359314286, ClinGen allele CA366281329.